The following is an entry in ClinVar:

ClinVar aggregate classification (germline): Uncertain significance. Review status: criteria provided, multiple submitters, no conflicts (2 of 4 stars). 2 submissions from 2 submitters: Uncertain significance (2). Last evaluated 2024-05-07.

Allele frequency attached by ClinVar (database versions not stated): gnomAD 0.00001; gnomAD exomes 0.00001; TOPMed 0.00001.
gnomAD v4.1: 12 of 1,612,248 alleles (0.00074%); highest among the groups gnomAD compares: Non-Finnish European, 0.001%; no homozygotes.

Submissions (2):

Labcorp Genetics (formerly Invitae), Labcorp
Classification: Uncertain significance. Last evaluated: 2024-05-07. Review status: criteria provided, single submitter. Criteria: Invitae Variant Classification Sherloc (09022015). Collection method: clinical testing. Allele origin: germline.
Comment: This sequence change replaces tyrosine, which is neutral and polar, with cysteine, which is neutral and slightly polar, at codon 311 of the SLC10A2 protein (p.Tyr311Cys). This variant is present in population databases (no rsID available, gnomAD 0.003%). This variant has not been reported in the literature in individuals affected with SLC10A2-related conditions. ClinVar contains an entry for this variant (Variation ID: 2539870). Advanced modeling of protein sequence and biophysical properties (such as structural, functional, and spatial information, amino acid conservation, physicochemical variation, residue mobility, and thermodynamic stability) performed at Invitae indicates that this missense variant is not expected to disrupt SLC10A2 protein function with a negative predictive value of 80%. In summary, the available evidence is currently insufficient to determine the role of this variant in disease. Therefore, it has been classified as a Variant of Uncertain Significance.

Ambry Genetics
Classification: Uncertain significance. Last evaluated: 2023-04-24. Review status: criteria provided, single submitter. Criteria: Ambry Variant Classification Scheme 2023. Collection method: clinical testing. Allele origin: germline.

NM_000452.3(SLC10A2):c.932A>G (p.Tyr311Cys)

Gene: SLC10A2 (solute carrier family 10 member 2; minus strand). Cytogenetic location: 13q33.1.
Variant type: single nucleotide variant.
Coding change: c.932A>G on transcript NM_000452.3 (MANE Select); coding-DNA position 932, A replaced by G.
Protein change: p.Tyr311Cys; replaces tyrosine 311 with cysteine.
Molecular consequence: missense variant.
Genome position (GRCh38, 1-based): chr13:103,046,248, T>C on the plus strand (A>G on the coding strand, the complement: SLC10A2 is on the minus strand). VCF-style: chr13-103046248-T-C. GRCh37 (hg19) VCF-style: chr13-103698598-T-C.
Other names: short protein forms Y311C.
Identifiers: ClinVar variation 2539870 (VCV002539870.5), dbSNP rs1260206891, ClinGen allele CA388605364.